The following is an entry in ClinVar:

ClinVar aggregate classification (germline): Conflicting classifications of pathogenicity. Review status: criteria provided, conflicting classifications (1 of 4 stars). 2 submissions from 2 submitters: Likely pathogenic (1); Uncertain significance (1). Last evaluated 2025-06-26.

Conditions:
Charcot-Marie-Tooth disease axonal type 2V. Also called: CHARCOT-MARIE-TOOTH DISEASE, AXONAL, AUTOSOMAL DOMINANT, TYPE 2V; CHARCOT-MARIE-TOOTH NEUROPATHY, TYPE 2V. Identifiers: Orphanet 447964, MedGen C5569050, MONDO:0014665, OMIM 616491.
Mucopolysaccharidosis, MPS-III-B (MPS3B). Also called: N-ACETYL-ALPHA-D-GLUCOSAMINIDASE DEFICIENCY; NAGLU DEFICIENCY; SANFILIPPO SYNDROME B; MPS IIIB (Sanfilippo Syndrome Type B); MPS III B; Mucopolysaccharidosis type IIIB (Sanfilippo B). Identifiers: Orphanet 79270, MedGen C0086648, MONDO:0009656, OMIM 252920.

Allele frequency attached by ClinVar (database versions not stated): gnomAD 0.00001.
gnomAD v4.1: 4 of 1,614,098 alleles (0.00025%); highest among the groups gnomAD compares: East Asian, 0.0022%; no homozygotes.

Submissions (2):

Women's Health and Genetics/Laboratory Corporation of America, LabCorp
Classification: Uncertain significance. Last evaluated: 2025-06-26. Review status: criteria provided, single submitter. Criteria: LabCorp Variant Classification Summary - May 2015. Collection method: clinical testing. Allele origin: germline.
Comment: Variant summary: NAGLU c.461T>C (p.Ile154Thr) results in a non-conservative amino acid change in the encoded protein sequence. Algorithms developed to predict the effect of missense changes on protein structure and function all suggest that this variant is likely to be disruptive. The variant allele was found at a frequency of 4e-06 in 251392 control chromosomes. To our knowledge, no occurrence of c.461T>C in individuals affected with Mucopolysaccharidosis Type IIIB (Sanfilippo Syndrome B) has been reported. At least one publication reports experimental evidence evaluating an impact on protein function in vitro. The most pronounced variant effect results in 10%-<30% of normal activity (Clark_2018). The following publications have been ascertained in the context of this evaluation (PMID: 31342580, 29979746, 28102005). ClinVar contains an entry for this variant (Variation ID: 2503909). Based on the evidence outlined above, the variant was classified as VUS-possibly pathogenic.

Labcorp Genetics (formerly Invitae), Labcorp
Classification: Likely pathogenic for Charcot-Marie-Tooth disease axonal type 2V; Mucopolysaccharidosis, MPS-III-B. Last evaluated: 2023-08-11. Review status: criteria provided, single submitter. Criteria: Invitae Variant Classification Sherloc (09022015). Collection method: clinical testing. Allele origin: germline.
Comment: In summary, the currently available evidence indicates that the variant is pathogenic, but additional data are needed to prove that conclusively. Therefore, this variant has been classified as Likely Pathogenic. This variant disrupts the p.Ile154 amino acid residue in NAGLU. Other variant(s) that disrupt this residue have been determined to be pathogenic (PMID: 11836372, 29979746). This suggests that this residue is clinically significant, and that variants that disrupt this residue are likely to be disease-causing. Experimental studies have shown that this missense change affects NAGLU function (PMID: 29979746). Advanced modeling of protein sequence and biophysical properties (such as structural, functional, and spatial information, amino acid conservation, physicochemical variation, residue mobility, and thermodynamic stability) performed at Invitae indicates that this missense variant is expected to disrupt NAGLU protein function. ClinVar contains an entry for this variant (Variation ID: 2503909). This variant has not been reported in the literature in individuals affected with NAGLU-related conditions. This variant is present in population databases (rs770684838, gnomAD 0.006%). This sequence change replaces isoleucine, which is neutral and non-polar, with threonine, which is neutral and polar, at codon 154 of the NAGLU protein (p.Ile154Thr).

Literature cited by the submitters: PubMed 29979746 (cited by Women's Health and Genetics/Laboratory Corporation of America, LabCorp and Labcorp Genetics (formerly Invitae), Labcorp); PubMed 28102005 (cited by Women's Health and Genetics/Laboratory Corporation of America, LabCorp); PubMed 31342580 (cited by Women's Health and Genetics/Laboratory Corporation of America, LabCorp); PubMed 11836372 (cited by Labcorp Genetics (formerly Invitae), Labcorp).

NM_000263.4(NAGLU):c.461T>C (p.Ile154Thr)

Gene: NAGLU (N-acetyl-alpha-glucosaminidase; plus strand). Cytogenetic location: 17q21.2.
Variant type: single nucleotide variant.
Coding change: c.461T>C on transcript NM_000263.4 (MANE Select); coding-DNA position 461, T replaced by C.
Protein change: p.Ile154Thr; replaces isoleucine 154 with threonine.
Molecular consequence: missense variant.
Genome position (GRCh38, 1-based): chr17:42,537,475, T>C. VCF-style: chr17-42537475-T-C. GRCh37 (hg19) VCF-style: chr17-40689493-T-C.
Other names: c.461T>C (NM_000263.3); short protein forms I154T.
Identifiers: ClinVar variation 2503909 (VCV002503909.5), dbSNP rs770684838, ClinGen allele CA8576771.